The following is an entry in ClinVar:

NM_001379270.1(CNGA1):c.724T>G (p.Phe242Val)

Genes: CNGA1 (cyclic nucleotide gated channel subunit alpha 1; minus strand), LOC101927157 (uncharacterized LOC101927157; plus strand). Cytogenetic location: 4p12.
Variant type: single nucleotide variant.
Coding change: c.724T>G on transcript NM_001379270.1 (MANE Select); coding-DNA position 724, T replaced by G.
Protein change: p.Phe242Val; replaces phenylalanine 242 with valine.
Molecular consequence: missense variant.
Genome position (GRCh38, 1-based): chr4:47,937,758, A>C on the plus strand (T>G on the coding strand, the complement: CNGA1 is on the minus strand). VCF-style: chr4-47937758-A-C. GRCh37 (hg19) VCF-style: chr4-47939775-A-C.
Other names: c.724T>G, p.Phe242Val (NM_000087.5, NM_001142564.2); short protein forms F242V.
Identifiers: ClinVar variation 2014738 (VCV002014738.4), dbSNP rs2475753617, ClinGen allele CA356828367.

ClinVar aggregate classification (germline): Uncertain significance (1 of 4 stars; one submission).

Submission:

Labcorp Genetics (formerly Invitae), Labcorp
Classification: Uncertain significance. Last evaluated: 2022-07-06. Review status: criteria provided, single submitter. Criteria: Invitae Variant Classification Sherloc (09022015). Collection method: clinical testing. Allele origin: germline.
Comment: This sequence change replaces phenylalanine, which is neutral and non-polar, with valine, which is neutral and non-polar, at codon 246 of the CNGA1 protein (p.Phe246Val). This variant is not present in population databases (gnomAD no frequency). This variant has not been reported in the literature in individuals affected with CNGA1-related conditions. Algorithms developed to predict the effect of missense changes on protein structure and function are either unavailable or do not agree on the potential impact of this missense change (SIFT: "Deleterious"; PolyPhen-2: "Benign"; Align-GVGD: "Class C0"). In summary, the available evidence is currently insufficient to determine the role of this variant in disease. Therefore, it has been classified as a Variant of Uncertain Significance.